The following is an entry in ClinVar:

NM_020750.3(XPO5):c.912G>A (p.Gln304=)

Genes: POLR1C (RNA polymerase I and III subunit C; plus strand), XPO5 (exportin 5; minus strand). Cytogenetic location: 6p21.1.
Variant type: single nucleotide variant.
Coding change: c.912G>A on transcript NM_020750.3 (MANE Select); coding-DNA position 912, G replaced by A.
Protein change: p.Gln304=; no amino-acid change (glutamine 304 retained).
Molecular consequence: synonymous variant. On other transcripts: non-coding transcript variant (1), 3 prime UTR variant (1).
Genome position (GRCh38, 1-based): chr6:43,562,346, C>T on the plus strand (G>A on the coding strand, the complement: XPO5 is on the minus strand). VCF-style: chr6-43562346-C-T. GRCh37 (hg19) VCF-style: chr6-43530083-C-T.
Other names: c.*989C>T (NM_001363658.2).
Identifiers: ClinVar variation 2713840 (VCV002713840.5), dbSNP rs577775126, ClinGen allele CA3826573.

ClinVar aggregate classification (germline): Uncertain significance. Review status: criteria provided, single submitter (1 of 4 stars). 2 submissions from 2 submitters: Uncertain significance (1). 1 of the submissions does not count toward it. Last evaluated 2025-09-21.

Conditions:
XPO5-related disorder. Also called: XPO5-related condition.

Allele frequency attached by ClinVar (database versions not stated): TOPMed 0.00023; 1000 Genomes Project 0.00020; gnomAD 0.00025; gnomAD exomes 0.00003; ExAC 0.00009; 1000 Genomes Project 30x 0.00031.
gnomAD v4.1: 98 of 1,602,540 alleles (0.0061%); highest among the groups gnomAD compares: African/African-American, 0.052%; 1 homozygote.

Submissions (2):

Labcorp Genetics (formerly Invitae), Labcorp
Classification: Uncertain significance. Last evaluated: 2025-09-21. Review status: criteria provided, single submitter. Criteria: Invitae Variant Classification Sherloc (09022015). Collection method: clinical testing. Allele origin: germline.
Comment: This sequence change affects codon 304 of the XPO5 mRNA. It is a 'silent' change, meaning that it does not change the encoded amino acid sequence of the XPO5 protein. It affects a nucleotide within the consensus splice site. This variant is present in population databases (rs577775126, gnomAD 0.07%), and has an allele count higher than expected for a pathogenic variant. This variant has not been reported in the literature in individuals affected with XPO5-related conditions. ClinVar contains an entry for this variant (Variation ID: 2713840). Algorithms developed to predict the effect of sequence changes on RNA splicing suggest that this variant may disrupt the consensus splice site. In summary, the available evidence is currently insufficient to determine the role of this variant in disease. Therefore, it has been classified as a Variant of Uncertain Significance.

PreventionGenetics, part of Exact Sciences
Classification: Likely benign for XPO5-related condition. Last evaluated: 2023-07-19. Review status: no assertion criteria provided. Collection method: clinical testing. Allele origin: germline. Not counted in ClinVar's aggregate classification.
Comment: This variant is classified as likely benign based on ACMG/AMP sequence variant interpretation guidelines (Richards et al. 2015 PMID: 25741868, with internal and published modifications).